The following is an entry in ClinVar:

ClinVar aggregate classification (germline): Pathogenic/Likely pathogenic. Review status: criteria provided, multiple submitters, no conflicts (2 of 4 stars). 4 submissions from 4 submitters: Pathogenic (2); Likely pathogenic (1). 1 of the submissions does not count toward it. Last evaluated 2023-07-28.

Conditions:
PAX6-related disorder. Also called: PAX6-related disorders; PAX6-related condition.
Aniridia 1 (AN1). Identifiers: Orphanet 250923, MedGen C0344542, MONDO:0024507, OMIM 106210.
Irido-corneo-trabecular dysgenesis (ASGD5). Also called: ANTERIOR SEGMENT DYSGENESIS 5. Identifiers: Orphanet 708, MedGen C0344559, MONDO:0011414, OMIM 604229, HP:0000659.
Coloboma, ocular, autosomal dominant (MCOPCB12). Also called: Microphthalmia/coloboma 12. Identifiers: MedGen C5886785, MONDO:0007350, OMIM 120200.

Submissions (4):

Molecular Medicine, University of Pavia
Classification: Likely pathogenic for Irido-corneo-trabecular dysgenesis. Last evaluated: 2023-07-28. Review status: criteria provided, single submitter. Criteria: ACMG Guidelines, 2015. Collection method: research. Allele origin: maternal. Affected: yes. Observed: 3 variant alleles.

Labcorp Genetics (formerly Invitae), Labcorp
Classification: Pathogenic for Aniridia 1; Irido-corneo-trabecular dysgenesis. Last evaluated: 2022-08-22. Review status: criteria provided, single submitter. Criteria: Invitae Variant Classification Sherloc (09022015). Collection method: clinical testing. Allele origin: germline.
Comment: For these reasons, this variant has been classified as Pathogenic. This variant disrupts the p.Arg38 amino acid residue in PAX6. Other variant(s) that disrupt this residue have been determined to be pathogenic (PMID: 29145603, 34415986). This suggests that this residue is clinically significant, and that variants that disrupt this residue are likely to be disease-causing. Advanced modeling of protein sequence and biophysical properties (such as structural, functional, and spatial information, amino acid conservation, physicochemical variation, residue mobility, and thermodynamic stability) performed at Invitae indicates that this missense variant is expected to disrupt PAX6 protein function. This missense change has been observed in individual(s) with clinical features of autosomal dominant aniridia (PMID: 29914532, 31700164). It has also been observed to segregate with disease in related individuals. This variant is not present in population databases (gnomAD no frequency). This sequence change replaces arginine, which is basic and polar, with glutamine, which is neutral and polar, at codon 38 of the PAX6 protein (p.Arg38Gln).

Blueprint Genetics
Classification: Pathogenic for PAX6-related disorders. Last evaluated: 2020-08-07. Review status: criteria provided, single submitter. Criteria: ACMG Guidelines, 2015. Collection method: clinical testing. Allele origin: germline. Affected: yes. Observed: 1 variant allele.

OMIM
Classification: Pathogenic for MICROPHTHALMIA/COLOBOMA 12. Last evaluated: 2024-03-01. Review status: no assertion criteria provided. Collection method: literature only. Allele origin: germline. Not counted in ClinVar's aggregate classification.

Literature cited by the submitters: PubMed 29145603 (cited by Labcorp Genetics (formerly Invitae), Labcorp); PubMed 34415986 (cited by Labcorp Genetics (formerly Invitae), Labcorp); PubMed 29914532 (cited by Labcorp Genetics (formerly Invitae), Labcorp); PubMed 31700164 (cited by Labcorp Genetics (formerly Invitae), Labcorp and OMIM).

NM_001368894.2(PAX6):c.113G>A (p.Arg38Gln)

Gene: PAX6 (paired box 6; minus strand). Cytogenetic location: 11p13.
Variant type: single nucleotide variant.
Coding change: c.113G>A on transcript NM_001368894.2 (MANE Select); coding-DNA position 113, G replaced by A.
Protein change: p.Arg38Gln; replaces arginine 38 with glutamine.
Molecular consequence: missense variant. On other transcripts: 5 prime UTR variant (12), non-coding transcript variant (2), intron variant (2).
Genome position (GRCh38, 1-based): chr11:31,802,732, C>T on the plus strand (G>A on the coding strand, the complement: PAX6 is on the minus strand). VCF-style: chr11-31802732-C-T. GRCh37 (hg19) VCF-style: chr11-31824280-C-T.
Other names: c.113G>A, p.Arg38Gln (NM_000280.6, NM_001127612.3, NM_001258462.3 and 30 more transcripts); c.-669G>A (NM_001310160.2, NM_001368905.2); c.-338G>A (NM_001310161.3, NM_001368900.2, NM_001368903.2 and 2 more transcripts); c.-296G>A (NM_001368899.2, NM_001368901.2, NM_001368906.2 and 1 more transcripts); c.-627G>A (NM_001368902.2); c.356G>A, p.Arg119Gln (NM_001368910.2); c.116G>A, p.Arg39Gln (NM_001368911.2); c.-267-956G>A (NM_001368909.2, NM_001368904.2); short protein forms R38Q, R119Q, R39Q.
Identifiers: ClinVar variation 2152105 (VCV002152105.21), dbSNP rs2496291260, ClinGen allele CA379959518.